The following is an entry in ClinVar:

ClinVar aggregate classification (germline): Uncertain significance (1 of 4 stars; one submission).

Submission:

Labcorp Genetics (formerly Invitae), Labcorp
Classification: Uncertain significance. Last evaluated: 2021-11-23. Review status: criteria provided, single submitter. Criteria: Invitae Variant Classification Sherloc (09022015). Collection method: clinical testing. Allele origin: germline.
Comment: Algorithms developed to predict the effect of missense changes on protein structure and function are either unavailable or do not agree on the potential impact of this missense change (SIFT: "Deleterious"; PolyPhen-2: "Possibly Damaging"; Align-GVGD: "Class C0"). In summary, the available evidence is currently insufficient to determine the role of this variant in disease. Therefore, it has been classified as a Variant of Uncertain Significance. This variant has not been reported in the literature in individuals affected with SZT2-related conditions. This variant is not present in population databases (gnomAD no frequency). This sequence change replaces tryptophan, which is neutral and slightly polar, with serine, which is neutral and polar, at codon 2804 of the SZT2 protein (p.Trp2804Ser).

NM_001365999.1(SZT2):c.8582G>C (p.Trp2861Ser)

Gene: SZT2 (SZT2 subunit of KICSTOR complex; plus strand). Cytogenetic location: 1p34.2.
Variant type: single nucleotide variant.
Coding change: c.8582G>C on transcript NM_001365999.1 (MANE Select); coding-DNA position 8582, G replaced by C.
Protein change: p.Trp2861Ser; replaces tryptophan 2861 with serine.
Molecular consequence: missense variant.
Genome position (GRCh38, 1-based): chr1:43,443,434, G>C. VCF-style: chr1-43443434-G-C. GRCh37 (hg19) VCF-style: chr1-43909105-G-C.
Other names: c.8411G>C, p.Trp2804Ser (NM_015284.4); short protein forms W2861S, W2804S.
Identifiers: ClinVar variation 1392160 (VCV001392160.6), dbSNP rs2153936123, ClinGen allele CA340039686.
Genomic context (GRCh38, chr1:43,443,434, plus strand): 5'-AGCAGTCATCCCGCCTGGTGCATTACTGTGCAACAGCCATGCTCTTCGACCCAGCTGCCT[G>C]GCTGCATGGGCCCCCAGAGACCTCTGGACCCCCTGACGGGCAGGTAAGGCTGACTCCCAG-3'
Protein context (NP_001352928.1, residues 2851-2871): ATAMLFDPAA[Trp2861Ser]LHGPPETSGP